The following is an entry in ClinVar:

NM_024665.7(TBL1XR1):c.536C>G (p.Pro179Arg)

Gene: TBL1XR1 (TBL1X/Y related 1; minus strand). Cytogenetic location: 3q26.32.
Variant type: single nucleotide variant.
Coding change: c.536C>G on transcript NM_024665.7 (MANE Select); coding-DNA position 536, C replaced by G.
Protein change: p.Pro179Arg; replaces proline 179 with arginine.
Molecular consequence: missense variant.
Genome position (GRCh38, 1-based): chr3:177,050,502, G>C on the plus strand (C>G on the coding strand, the complement: TBL1XR1 is on the minus strand). VCF-style: chr3-177050502-G-C. GRCh37 (hg19) VCF-style: chr3-176768290-G-C.
Other names: c.536C>G, p.Pro179Arg (NM_001321193.3, NM_001321194.3, NM_001374327.1 and 2 more transcripts); c.275C>G, p.Pro92Arg (NM_001321195.3, NM_001374330.1); short protein forms P179R, P92R.
Identifiers: ClinVar variation 1302534 (VCV001302534.2), dbSNP rs2108492264, ClinGen allele CA355552762.

ClinVar aggregate classification (germline): Uncertain significance (1 of 4 stars; one submission).

Submission:

GeneDx
Classification: Uncertain significance. Last evaluated: 2019-06-05. Review status: criteria provided, single submitter. Criteria: GeneDx Variant Classification Process June 2021. Collection method: clinical testing. Allele origin: germline. Affected: yes.
Comment: Not observed in large population cohorts (Lek et al., 2016); In silico analysis, which includes protein predictors and evolutionary conservation, supports a deleterious effect; Has not been previously published as pathogenic or benign to our knowledge